The following is an entry in ClinVar:

NM_006922.4(SCN3A):c.2182C>T (p.Pro728Ser)

Gene: SCN3A (sodium voltage-gated channel alpha subunit 3; minus strand). Cytogenetic location: 2q24.3.
Variant type: single nucleotide variant.
Coding change: c.2182C>T on transcript NM_006922.4 (MANE Select); coding-DNA position 2182, C replaced by T.
Protein change: p.Pro728Ser; replaces proline 728 with serine.
Molecular consequence: missense variant.
Genome position (GRCh38, 1-based): chr2:165,138,088, G>A on the plus strand (C>T on the coding strand, the complement: SCN3A is on the minus strand). VCF-style: chr2-165138088-G-A. GRCh37 (hg19) VCF-style: chr2-165994598-G-A.
Other names: c.2035C>T, p.Pro679Ser (NM_001081676.2, NM_001081677.2); short protein forms P679S, P728S.
Identifiers: ClinVar variation 1687270 (VCV001687270.1), dbSNP rs2105801570, ClinGen allele CA349045417.

ClinVar aggregate classification (germline): Uncertain significance (1 of 4 stars; one submission).

Conditions:
Developmental and epileptic encephalopathy, 62. Also called: Early infantile epileptic encephalopathy 62. Identifiers: MedGen C4693699, MONDO:0033371, OMIM 617938.

Submission:

3billion
Classification: Uncertain significance for Developmental and epileptic encephalopathy, 62. Last evaluated: 2022-05-22. Review status: criteria provided, single submitter. Criteria: ACMG Guidelines, 2015. Collection method: clinical testing. Allele origin: germline. Affected: yes. Observed: 1 heterozygote.
Comment: This variant is absent from the gnomAD v2.1.1 datase. In silico prediction tools and conservation analysis predicted that this variant was probably damaging to the protein structure/function (REVEL: 0.81>=0.6). A missense variant is a common mechanism associated with Epileptic encephalopathy, early infantile, 62. Therefore, this variant is classified as uncertain significanceaccording to the recommendation of ACMG/AMP guideline.